The following is an entry in ClinVar:

ClinVar aggregate classification (germline): Uncertain significance. Review status: criteria provided, multiple submitters, no conflicts (2 of 4 stars). 3 submissions from 3 submitters: Uncertain significance (3). Last evaluated 2024-11-28.

Conditions:
Hereditary cancer-predisposing syndrome. Also called: Hereditary Cancer Syndrome; Hereditary neoplastic syndrome; Neoplastic Syndromes, Hereditary; Tumor predisposition. Identifiers: Orphanet 140162, MedGen C0027672, MeSH D009386, MONDO:0015356.
Tuberous sclerosis syndrome (TSC). Also called: Tuberous Sclerosis Complex; Tuberous sclerosis. Identifiers: Orphanet 805, MedGen C0041341, MONDO:0001734.
Tuberous sclerosis 1 (TSC1). Identifiers: Orphanet 805, MedGen C1854465, MONDO:0008612, OMIM 191100.

Submissions (3):

Ambry Genetics
Classification: Uncertain significance for Hereditary cancer-predisposing syndrome. Last evaluated: 2024-11-28. Review status: criteria provided, single submitter. Criteria: Ambry Variant Classification Scheme 2023. Collection method: clinical testing. Allele origin: germline.
Comment: The p.P1075A variant (also known as c.3223C>G), located in coding exon 21 of the TSC1 gene, results from a C to G substitution at nucleotide position 3223. The proline at codon 1075 is replaced by alanine, an amino acid with highly similar properties. This amino acid position is conserved. In addition, the in silico prediction for this alteration is inconclusive. Based on the available evidence, the clinical significance of this variant remains unclear.

All of Us Research Program, National Institutes of Health
Classification: Uncertain significance for Tuberous sclerosis syndrome. Last evaluated: 2024-09-23. Review status: criteria provided, single submitter. Criteria: ACMG Guidelines, 2015. Collection method: clinical testing. Allele origin: germline. Inheritance: Autosomal dominant inheritance. Observed: 1 variant allele, 1 heterozygote.
Comment: This study involves interpretation of variants in research participants for the purpose of population health screening. Participant phenotype was not available at the time of variant classification. Additional details can be found in publication PMID: 35346344, PMCID: PMC8962531

Labcorp Genetics (formerly Invitae), Labcorp
Classification: Uncertain significance for Tuberous sclerosis 1. Last evaluated: 2024-07-27. Review status: criteria provided, single submitter. Criteria: Invitae Variant Classification Sherloc (09022015). Collection method: clinical testing. Allele origin: germline.
Comment: This sequence change replaces proline, which is neutral and non-polar, with alanine, which is neutral and non-polar, at codon 1075 of the TSC1 protein (p.Pro1075Ala). This variant is not present in population databases (gnomAD no frequency). This variant has not been reported in the literature in individuals affected with TSC1-related conditions. Advanced modeling of protein sequence and biophysical properties (such as structural, functional, and spatial information, amino acid conservation, physicochemical variation, residue mobility, and thermodynamic stability) performed at Invitae indicates that this missense variant is not expected to disrupt TSC1 protein function with a negative predictive value of 95%. In summary, the available evidence is currently insufficient to determine the role of this variant in disease. Therefore, it has been classified as a Variant of Uncertain Significance.

NM_000368.5(TSC1):c.3223C>G (p.Pro1075Ala)

Gene: TSC1 (TSC complex subunit 1; minus strand). Cytogenetic location: 9q34.13.
Variant type: single nucleotide variant.
Coding change: c.3223C>G on transcript NM_000368.5 (MANE Select); coding-DNA position 3223, C replaced by G.
Protein change: p.Pro1075Ala; replaces proline 1075 with alanine.
Molecular consequence: missense variant. On other transcripts: non-coding transcript variant (5).
Genome position (GRCh38, 1-based): chr9:132,896,507, G>C on the plus strand (C>G on the coding strand, the complement: TSC1 is on the minus strand). VCF-style: chr9-132896507-G-C. GRCh37 (hg19) VCF-style: chr9-135771894-G-C.
Other names: c.3223C>G, p.Pro1075Ala (NM_001406595.1, NM_001406596.1, NM_001406592.1 and 2 more transcripts); c.3220C>G, p.Pro1074Ala (NM_001406597.1, NM_001406598.1, NM_001406599.1 and 2 more transcripts); c.3208C>G, p.Pro1070Ala (NM_001406601.1, NM_001406602.1); c.3205C>G, p.Pro1069Ala (NM_001406603.1, NM_001406604.1); c.3181C>G, p.Pro1061Ala (NM_001406605.1, NM_001406606.1, NM_001406607.1); c.3178C>G, p.Pro1060Ala (NM_001406608.1, NM_001406609.1); c.3070C>G, p.Pro1024Ala (NM_001406610.1, NM_001162427.2); c.3067C>G, p.Pro1023Ala (NM_001406611.1, NM_001406612.1); and 8 more; short protein forms P1009A, P1023A, P1024A, P1060A, P1061A, P1069A, P1070A, P1074A.
Identifiers: ClinVar variation 3386137 (VCV003386137.4).